The following is an entry in ClinVar:

NM_014263.4(YME1L1):c.847C>T (p.His283Tyr)

Gene: YME1L1 (YME1 like 1 ATPase; minus strand). Cytogenetic location: 10p12.1.
Variant type: single nucleotide variant.
Coding change: c.847C>T on transcript NM_014263.4 (MANE Select); coding-DNA position 847, C replaced by T.
Protein change: p.His283Tyr; replaces histidine 283 with tyrosine.
Molecular consequence: missense variant.
Genome position (GRCh38, 1-based): chr10:27,131,870, G>A on the plus strand (C>T on the coding strand, the complement: YME1L1 is on the minus strand). VCF-style: chr10-27131870-G-A. GRCh37 (hg19) VCF-style: chr10-27420799-G-A.
Other names: c.748C>T, p.His250Tyr (NM_001253866.2); c.1018C>T, p.His340Tyr (NM_139312.3); short protein forms H250Y, H340Y, H283Y.
Identifiers: ClinVar variation 2990870 (VCV002990870.3), dbSNP rs1385996130, ClinGen allele CA376374255.

ClinVar aggregate classification (germline): Uncertain significance (1 of 4 stars; one submission).

Allele frequency attached by ClinVar (database versions not stated): gnomAD exomes below 0.00001; TOPMed below 0.00001; gnomAD 0.00001.
gnomAD v4.1: 4 of 1,612,104 alleles (0.00025%); highest among the groups gnomAD compares: Non-Finnish European, 0.00034%; no homozygotes.

Submission:

Labcorp Genetics (formerly Invitae), Labcorp
Classification: Uncertain significance. Last evaluated: 2023-07-20. Review status: criteria provided, single submitter. Criteria: Invitae Variant Classification Sherloc (09022015). Collection method: clinical testing. Allele origin: germline.
Comment: This sequence change replaces histidine, which is basic and polar, with tyrosine, which is neutral and polar, at codon 340 of the YME1L1 protein (p.His340Tyr). This variant is present in population databases (no rsID available, gnomAD 0.0009%). This variant has not been reported in the literature in individuals affected with YME1L1-related conditions. An algorithm developed to predict the effect of missense changes on protein structure and function (PolyPhen-2) suggests that this variant is likely to be disruptive. In summary, the available evidence is currently insufficient to determine the role of this variant in disease. Therefore, it has been classified as a Variant of Uncertain Significance.